The following is an entry in ClinVar:

ClinVar aggregate classification (germline): Pathogenic (1 of 4 stars; one submission).

Conditions:
Neurofibromatosis, type 1 (NF1). Also called: Peripheral type neurofibromatosis; VON RECKLINGHAUSEN DISEASE; NEUROFIBROMATOSIS, TYPE I, SOMATIC; Neurofibromatosis, type I. Identifiers: Orphanet 636, MedGen C0027831, MONDO:0018975, OMIM 162200. Disease mechanism: loss of function.

Submission:

Labcorp Genetics (formerly Invitae), Labcorp
Classification: Pathogenic for Neurofibromatosis, type 1. Last evaluated: 2024-01-17. Review status: criteria provided, single submitter. Criteria: Invitae Variant Classification Sherloc (09022015). Collection method: clinical testing. Allele origin: germline.
Comment: This sequence change creates a premature translational stop signal (p.Thr700Asnfs*2) in the NF1 gene. It is expected to result in an absent or disrupted protein product. Loss-of-function variants in NF1 are known to be pathogenic (PMID: 10712197, 23913538). This variant is not present in population databases (gnomAD no frequency). This variant has not been reported in the literature in individuals affected with NF1-related conditions. For these reasons, this variant has been classified as Pathogenic.

Literature cited by the submitters: PubMed 10712197; PubMed 23913538.

NM_001042492.3(NF1):c.2098dup (p.Thr700fs)

Gene: NF1 (neurofibromin 1; plus strand). Cytogenetic location: 17q11.2.
Variant type: Duplication.
Coding change: c.2098dup on transcript NM_001042492.3 (MANE Select); coding-DNA position 2098, one base duplicated (A; older notation c.2098dupA).
Protein change: p.Thr700fs; shifts the reading frame from threonine 700.
Molecular consequence: frameshift variant.
Genome position (GRCh38, 1-based): chr17:31,226,531, A duplicated. VCF-style (leftmost placement, unchanged base first): chr17-31226530-C-CA. GRCh37 (hg19) VCF-style: chr17-29553548-C-CA.
Other names: c.2098dup, p.Thr700Asnfs (NM_000267.4); short protein forms T700fs.
Identifiers: ClinVar variation 2709780 (VCV002709780.3), dbSNP rs2508156087, ClinGen allele CA2697559708.